The following is an entry in ClinVar:

NM_003676.4(DEGS1):c.752dup (p.Leu251fs)

Gene: DEGS1 (delta 4-desaturase, sphingolipid 1; plus strand). Cytogenetic location: 1q42.11.
Variant type: Duplication.
Coding change: c.752dup on transcript NM_003676.4 (MANE Select); coding-DNA position 752, one base duplicated (T; older notation c.752dupT).
Protein change: p.Leu251fs; shifts the reading frame from leucine 251.
Molecular consequence: frameshift variant.
Genome position (GRCh38, 1-based): chr1:224,190,246, T duplicated; the last of 3 consecutive T bases (chr1:224,190,244-224,190,246); duplicating any one gives the same sequence. VCF-style (leftmost placement, unchanged base first): chr1-224190243-A-AT. GRCh37 (hg19) VCF-style: chr1-224377945-A-AT.
Other names: c.752dupT (NM_003676.3); c.752dup, p.Leu251fs (NM_001321541.2); c.644dup, p.Leu215fs (NM_001321542.2); c.752dup (NM_003676.3); short protein forms L215fs, L251fs.
Identifiers: ClinVar variation 985447 (VCV000985447.6), dbSNP rs1402209451, ClinGen allele CA529462828.

ClinVar aggregate classification (germline): Pathogenic/Likely pathogenic. Review status: criteria provided, multiple submitters, no conflicts (2 of 4 stars). 3 submissions from 3 submitters: Pathogenic (1); Likely pathogenic (2). Last evaluated 2026-06-28.

Conditions:
DEGS1-related disorder. Also called: DEGS1-related condition.
Inborn genetic diseases. Identifiers: MedGen C0950123, MeSH D030342.

Submissions (3):

PreventionGenetics, part of Exact Sciences
Classification: Pathogenic for DEGS1-related condition. Last evaluated: 2026-06-28. Review status: criteria provided, single submitter. Criteria: ACMG Guidelines, 2015. Collection method: clinical testing. Allele origin: germline.
Comment: The DEGS1 c.752dupT variant is predicted to result in a frameshift and premature protein termination (p.Leu251Phefs*10). This variant is reported in 0.0020% of alleles in individuals of European (Non-Finnish) descent in gnomAD. Frameshift variants in DEGS1 are expected to be pathogenic. This variant is interpreted as pathogenic.

GeneDx
Classification: Likely pathogenic. Last evaluated: 2025-10-13. Review status: criteria provided, single submitter. Criteria: GeneDx Variant Classification Process June 2021. Collection method: clinical testing. Allele origin: germline. Affected: yes.
Comment: Frameshift variant predicted to result in protein truncation, as the last 73 amino acids are replaced with 9 different amino acids, and other loss-of-function variants have been reported downstream in the Human Gene Mutation Database (HGMD); Not observed at significant frequency in large population cohorts (gnomAD); This variant is associated with the following publications: (PMID: 30620337)

Ambry Genetics
Classification: Likely pathogenic for Inborn genetic diseases. Last evaluated: 2019-05-22. Review status: criteria provided, single submitter. Criteria: Ambry exome assertion method (8-5-2015). Collection method: clinical testing. Allele origin: germline. Affected: yes. Observed: 1 variant allele.

Literature cited by the submitters: PubMed 30620337 (cited by Ambry Genetics).